The following is an entry in ClinVar:

NM_007373.4(SHOC2):c.1637T>G (p.Met546Arg)

Gene: SHOC2 (SHOC2 leucine rich repeat scaffold protein; plus strand). Cytogenetic location: 10q25.2.
Variant type: single nucleotide variant.
Coding change: c.1637T>G on transcript NM_007373.4 (MANE Select); coding-DNA position 1637, T replaced by G.
Protein change: p.Met546Arg; replaces methionine 546 with arginine.
Molecular consequence: missense variant. On other transcripts: non-coding transcript variant (1).
Genome position (GRCh38, 1-based): chr10:111,011,706, T>G. VCF-style: chr10-111011706-T-G. GRCh37 (hg19) VCF-style: chr10-112771464-T-G.
Other names: c.1499T>G, p.Met500Arg (NM_001269039.3); c.1637T>G, p.Met546Arg (NM_001324336.2, NM_001324337.2); short protein forms M500R, M546R.
Identifiers: ClinVar variation 1354979 (VCV001354979.6), dbSNP rs2134183100, ClinGen allele CA378526322.

ClinVar aggregate classification (germline): Uncertain significance (1 of 4 stars; one submission).

Conditions:
RASopathy. Also called: rasopathies; Noonan spectrum disorder. Identifiers: Orphanet 536391, MedGen C5555857, MONDO:0021060.

Submission:

Labcorp Genetics (formerly Invitae), Labcorp
Classification: Uncertain significance for RASopathy. Last evaluated: 2021-12-03. Review status: criteria provided, single submitter. Criteria: Invitae Variant Classification Sherloc (09022015). Collection method: clinical testing. Allele origin: germline.
Comment: This variant is not present in population databases (gnomAD no frequency). This variant has not been reported in the literature in individuals affected with SHOC2-related conditions. Algorithms developed to predict the effect of missense changes on protein structure and function are either unavailable or do not agree on the potential impact of this missense change (SIFT: "Deleterious"; PolyPhen-2: "Possibly Damaging"; Align-GVGD: "Class C0"). In summary, the available evidence is currently insufficient to determine the role of this variant in disease. Therefore, it has been classified as a Variant of Uncertain Significance. This sequence change replaces methionine, which is neutral and non-polar, with arginine, which is basic and polar, at codon 546 of the SHOC2 protein (p.Met546Arg).